The following is an entry in ClinVar:

ClinVar aggregate classification (germline): Uncertain significance. Review status: criteria provided, multiple submitters, no conflicts (2 of 4 stars). 2 submissions from 2 submitters: Uncertain significance (2). Last evaluated 2024-04-16.

Conditions:
Hereditary cancer-predisposing syndrome. Also called: Neoplastic Syndromes, Hereditary; Hereditary Cancer Syndrome; Hereditary neoplastic syndrome; Tumor predisposition. Identifiers: Orphanet 140162, MedGen C0027672, MeSH D009386, MONDO:0015356.

Allele frequency attached by ClinVar (database versions not stated): TOPMed below 0.00001.

Submissions (2):

Labcorp Genetics (formerly Invitae), Labcorp
Classification: Uncertain significance. Last evaluated: 2024-04-16. Review status: criteria provided, single submitter. Criteria: Invitae Variant Classification Sherloc (09022015). Collection method: clinical testing. Allele origin: germline.
Comment: This sequence change replaces glycine, which is neutral and non-polar, with serine, which is neutral and polar, at codon 17 of the POLE protein (p.Gly17Ser). This variant is not present in population databases (gnomAD no frequency). This variant has not been reported in the literature in individuals affected with POLE-related conditions. ClinVar contains an entry for this variant (Variation ID: 540692). Algorithms developed to predict the effect of missense changes on protein structure and function output the following: SIFT: "Not Available"; PolyPhen-2: "Benign"; Align-GVGD: "Not Available". The serine amino acid residue is found in multiple mammalian species, which suggests that this missense change does not adversely affect protein function. In summary, the available evidence is currently insufficient to determine the role of this variant in disease. Therefore, it has been classified as a Variant of Uncertain Significance.

Ambry Genetics
Classification: Uncertain significance for Hereditary cancer-predisposing syndrome. Last evaluated: 2023-05-23. Review status: criteria provided, single submitter. Criteria: Ambry Variant Classification Scheme 2023. Collection method: clinical testing. Allele origin: germline.
Comment: The p.G17S variant (also known as c.49G>A), located in coding exon 1 of the POLE gene, results from a G to A substitution at nucleotide position 49. The glycine at codon 17 is replaced by serine, an amino acid with similar properties. This amino acid position is conserved. In addition, this alteration is predicted to be tolerated by in silico analysis. Since supporting evidence is limited at this time, the clinical significance of this alteration remains unclear.

NM_006231.4(POLE):c.49G>A (p.Gly17Ser)

Genes: POLE (DNA polymerase epsilon, catalytic subunit; minus strand), LOC130009266 (ATAC-STARR-seq lymphoblastoid silent region 5123; plus strand). Cytogenetic location: 12q24.33.
Variant type: single nucleotide variant.
Coding change: c.49G>A on transcript NM_006231.4 (MANE Select); coding-DNA position 49, G replaced by A.
Protein change: p.Gly17Ser; replaces glycine 17 with serine.
Molecular consequence: missense variant.
Genome position (GRCh38, 1-based): chr12:132,687,267, C>T on the plus strand (G>A on the coding strand, the complement: POLE is on the minus strand). VCF-style: chr12-132687267-C-T. GRCh37 (hg19) VCF-style: chr12-133263853-C-T.
Other names: c.49G>A (NM_006231.2); short protein forms G17S.
Identifiers: ClinVar variation 540692 (VCV000540692.10), dbSNP rs1243827536, ClinGen allele CA387373349.
Genomic context (GRCh38, chr12:132,687,267, plus strand): 5'-CACCCTCCGGAGGGCCGGCCCGAGAGCCTCAGGAGGGCGCCCCTCACCTGCTGGCCTCGC[C>T]ATCCGCGCCTGGGTCCGCGCGCCGCCGCCCGCCGCTCCTCAGAGACATGGAGCCGTTGGC-3'
Protein context (NP_006222.2, residues 7-27): GRRRADPGAD[Gly17Ser]EASRDDGATS